The following is an entry in ClinVar:

ClinVar aggregate classification (germline): Pathogenic (1 of 4 stars; one submission).

Submission:

Labcorp Genetics (formerly Invitae), Labcorp
Classification: Pathogenic. Last evaluated: 2019-12-30. Review status: criteria provided, single submitter. Criteria: Invitae Variant Classification Sherloc (09022015). Collection method: clinical testing. Allele origin: germline.
Comment: A gross deletion of the genomic region encompassing the full coding sequence of the KCNV2 gene has been identified. The boundaries of this event are unknown as the deletion extends beyond the assayed region for this gene and therefore may encompass additional genes. Similar deletions have been observed in an individual and a family affected with retinal disease (PMID: 23077521, 24210337). Loss-of-function variants in KCNV2 are known to be pathogenic (PMID: 16909397, 18235024). For these reasons, this variant has been classified as Pathogenic.

Literature cited by the submitters: PubMed 24210337; PubMed 23077521.

NC_000009.12:g.(?_2717740)_(2729727_?)del

Gene: KCNV2 (potassium voltage-gated channel modifier subfamily V member 2; plus strand). Cytogenetic location: 9p24.2.
Variant type: Deletion.
Identifiers: ClinVar variation 832981 (VCV000832981.1).